The following is an entry in ClinVar:

NM_003998.4(NFKB1):c.2603dup (p.Thr869fs)

Gene: NFKB1 (nuclear factor kappa B subunit 1; plus strand). Cytogenetic location: 4q24.
Variant type: Duplication.
Coding change: c.2603dup on transcript NM_003998.4 (MANE Select); coding-DNA position 2603, one base duplicated (G; older notation c.2603dupG).
Protein change: p.Thr869fs; shifts the reading frame from threonine 869.
Molecular consequence: frameshift variant.
Genome position (GRCh38, 1-based): chr4:102,613,435, G duplicated; the last of 5 consecutive G bases (chr4:102,613,431-102,613,435); duplicating any one gives the same sequence. VCF-style (leftmost placement, unchanged base first): chr4-102613430-T-TG. GRCh37 (hg19) VCF-style: chr4-103534587-T-TG.
Other names: c.2600dup, p.Thr868fs (NM_001165412.2, NM_001319226.2, NM_001382627.1); c.2603dup, p.Thr869fs (NM_001382625.1, NM_001382626.1); c.2561dup, p.Thr855fs (NM_001382628.1); short protein forms T855fs, T868fs, T869fs.
Identifiers: ClinVar variation 1373688 (VCV001373688.6), dbSNP rs1553938888, ClinGen allele CA2573137949.

ClinVar aggregate classification (germline): Pathogenic (1 of 4 stars; one submission).

Submission:

Labcorp Genetics (formerly Invitae), Labcorp
Classification: Pathogenic. Last evaluated: 2022-08-19. Review status: criteria provided, single submitter. Criteria: Invitae Variant Classification Sherloc (09022015). Collection method: clinical testing. Allele origin: germline.
Comment: For these reasons, this variant has been classified as Pathogenic. Algorithms developed to predict the effect of sequence changes on RNA splicing suggest that this variant may create or strengthen a splice site. ClinVar contains an entry for this variant (Variation ID: 1373688). This variant has not been reported in the literature in individuals affected with NFKB1-related conditions. This variant is not present in population databases (gnomAD no frequency). This sequence change creates a premature translational stop signal (p.Thr869Tyrfs*19) in the NFKB1 gene. It is expected to result in an absent or disrupted protein product. Loss-of-function variants in NFKB1 are known to be pathogenic (PMID: 26279205, 29477724).

Literature cited by the submitters: PubMed 26279205; PubMed 29477724.